The following is an entry in ClinVar:

NM_001379200.1(TBX1):c.1480G>A (p.Ala494Thr)

Gene: TBX1 (T-box transcription factor 1; plus strand). Cytogenetic location: 22q11.21.
Variant type: single nucleotide variant.
Coding change: c.1480G>A on transcript NM_001379200.1 (MANE Select); coding-DNA position 1480, G replaced by A.
Protein change: p.Ala494Thr; replaces alanine 494 with threonine.
Molecular consequence: missense variant. On other transcripts: intron variant (2).
Genome position (GRCh38, 1-based): chr22:19,766,832, G>A. VCF-style: chr22-19766832-G-A. GRCh37 (hg19) VCF-style: chr22-19754355-G-A.
Other names: c.1453G>A, p.Ala485Thr (NM_080647.1); c.1009+830G>A (NM_005992.1, NM_080646.2); short protein forms A485T, A494T.
Identifiers: ClinVar variation 1704697 (VCV001704697.2), dbSNP rs774386479, ClinGen allele CA10102778.

ClinVar aggregate classification (germline): Uncertain significance (1 of 4 stars; one submission).

Allele frequency attached by ClinVar (database versions not stated): ExAC 0.00001; gnomAD exomes 0.00001.
gnomAD v4.1: 13 of 1,564,454 alleles (0.00083%); highest among the groups gnomAD compares: South Asian, 0.013%; no homozygotes.

Submission:

GeneDx
Classification: Uncertain significance. Last evaluated: 2022-03-10. Review status: criteria provided, single submitter. Criteria: GeneDx Variant Classification Process June 2021. Collection method: clinical testing. Allele origin: germline. Affected: yes.
Comment: In silico analysis supports that this missense variant does not alter protein structure/function; Has not been previously published as pathogenic or benign to our knowledge